The following is an entry in ClinVar:

NM_006514.4(SCN10A):c.4980G>A (p.Ser1660=)

Gene: SCN10A (sodium voltage-gated channel alpha subunit 10; minus strand). Cytogenetic location: 3p22.2.
Variant type: single nucleotide variant.
Coding change: c.4980G>A on transcript NM_006514.4 (MANE Select); coding-DNA position 4980, G replaced by A.
Protein change: p.Ser1660=; no amino-acid change (serine 1660 retained).
Molecular consequence: synonymous variant.
Genome position (GRCh38, 1-based): chr3:38,698,240, C>T on the plus strand (G>A on the coding strand, the complement: SCN10A is on the minus strand). VCF-style: chr3-38698240-C-T. GRCh37 (hg19) VCF-style: chr3-38739731-C-T.
Other names: c.4977G>A, p.Ser1659= (NM_001293306.2); c.4686G>A, p.Ser1562= (NM_001293307.2).
Identifiers: ClinVar variation 510783 (VCV000510783.8), dbSNP rs544529883, ClinGen allele CA2319768.

ClinVar aggregate classification (germline): Likely benign. Review status: criteria provided, multiple submitters, no conflicts (2 of 4 stars). 3 submissions from 3 submitters: Likely benign (3). Last evaluated 2025-12-13.

Conditions:
Brugada syndrome. Also called: Sudden Unexplained Death Syndrome; Sudden Unexplained Nocturnal Death Syndrome (SUNDS); Sudden unexpected nocturnal death syndrome; Sudden unexplained nocturnal death syndrome. Identifiers: Orphanet 130, MedGen C1142166, MONDO:0015263.
Cardiovascular phenotype. Identifiers: MedGen CN230736.

Allele frequency attached by ClinVar (database versions not stated): gnomAD 0.00011 and 0.00012; TOPMed 0.00013; 1000 Genomes Project 30x 0.00031; 1000 Genomes Project 0.00040.

Submissions (3):

Labcorp Genetics (formerly Invitae), Labcorp
Classification: Likely benign for Brugada syndrome. Last evaluated: 2025-12-13. Review status: criteria provided, single submitter. Criteria: Invitae Variant Classification Sherloc (09022015). Collection method: clinical testing. Allele origin: germline.

Ambry Genetics
Classification: Likely benign for Cardiovascular phenotype. Last evaluated: 2021-02-01. Review status: criteria provided, single submitter. Criteria: Ambry Variant Classification Scheme 2023. Collection method: clinical testing. Allele origin: germline.

GeneDx
Classification: Likely benign. Last evaluated: 2017-07-13. Review status: criteria provided, single submitter. Criteria: GeneDx Variant Classification (06012015). Collection method: clinical testing. Allele origin: germline. Affected: yes.
Comment: This variant is considered likely benign or benign based on one or more of the following criteria: it is a conservative change, it occurs at a poorly conserved position in the protein, it is predicted to be benign by multiple in silico algorithms, and/or has population frequency not consistent with disease.